The following is an entry in ClinVar:

NM_000217.3(KCNA1):c.1125C>G (p.Tyr375Ter)

Gene: KCNA1 (potassium voltage-gated channel subfamily A member 1; plus strand). Cytogenetic location: 12p13.32.
Variant type: single nucleotide variant.
Coding change: c.1125C>G on transcript NM_000217.3 (MANE Select); coding-DNA position 1125, C replaced by G.
Protein change: p.Tyr375Ter; replaces tyrosine 375 with a stop codon.
Molecular consequence: nonsense.
Genome position (GRCh38, 1-based): chr12:4,912,503, C>G. VCF-style: chr12-4912503-C-G. GRCh37 (hg19) VCF-style: chr12-5021669-C-G.
Other names: short protein forms Y375*.
Identifiers: ClinVar variation 3730930 (VCV003730930.1).

ClinVar aggregate classification (germline): Uncertain significance (1 of 4 stars; one submission).

Submission:

GeneDx
Classification: Uncertain significance. Last evaluated: 2024-08-14. Review status: criteria provided, single submitter. Criteria: GeneDx Variant Classification Process June 2021. Collection method: clinical testing. Allele origin: germline. Affected: yes.
Comment: Reported as a de novo variant in a patient with autism in published literature who also had variants in two other genes that may have been responsible for the phenotype (PMID: 33057194, 35982159); Nonsense variant predicted to result in protein truncation in a gene or region of a gene for which loss of function is not a well-established mechanism of disease; Not observed at significant frequency in large population cohorts (gnomAD); This variant is associated with the following publications: (PMID: 33057194, 35982159)